The following is an entry in ClinVar:

ClinVar aggregate classification (germline): Uncertain significance. Review status: criteria provided, multiple submitters, no conflicts (2 of 4 stars). 3 submissions from 3 submitters: Uncertain significance (3). Last evaluated 2025-01-26.

Conditions:
Inborn genetic diseases. Identifiers: MedGen C0950123, MeSH D030342.
Charcot-Marie-Tooth disease recessive intermediate C. Also called: CHARCOT-MARIE-TOOTH NEUROPATHY, RECESSIVE INTERMEDIATE C. Identifiers: Orphanet 369867, MedGen C3809309, MONDO:0014154, OMIM 615376.
Neuronopathy, distal hereditary motor, autosomal recessive 4. Also called: Autosomal recessive lower motor neuron disease with childhood onset; NEUROPATHY, DISTAL HEREDITARY MOTOR, AUTOSOMAL RECESSIVE 4. Identifiers: Orphanet 206580, MedGen C1970211, MONDO:0012608, OMIM 611067.

Allele frequency attached by ClinVar (database versions not stated): gnomAD exomes below 0.00001; ExAC 0.00001.
gnomAD v4.1: 6 of 1,613,670 alleles (0.00037%); highest among the groups gnomAD compares: Non-Finnish European, 0.00051%; no homozygotes.

Submissions (3):

Ambry Genetics
Classification: Uncertain significance for Inborn genetic diseases. Last evaluated: 2025-01-26. Review status: criteria provided, single submitter. Criteria: Ambry Variant Classification Scheme 2023. Collection method: clinical testing. Allele origin: germline.

Labcorp Genetics (formerly Invitae), Labcorp
Classification: Uncertain significance for Neuronopathy, distal hereditary motor, autosomal recessive 4; Charcot-Marie-Tooth disease recessive intermediate C. Last evaluated: 2022-01-21. Review status: criteria provided, single submitter. Criteria: Invitae Variant Classification Sherloc (09022015). Collection method: clinical testing. Allele origin: germline.
Comment: This sequence change replaces arginine, which is basic and polar, with threonine, which is neutral and polar, at codon 623 of the PLEKHG5 protein (p.Arg623Thr). This variant is present in population databases (rs759538158, gnomAD 0.0009%). This variant has not been reported in the literature in individuals affected with PLEKHG5-related conditions. ClinVar contains an entry for this variant (Variation ID: 1026660). Algorithms developed to predict the effect of missense changes on protein structure and function (SIFT, PolyPhen-2, Align-GVGD) all suggest that this variant is likely to be tolerated. In summary, the available evidence is currently insufficient to determine the role of this variant in disease. Therefore, it has been classified as a Variant of Uncertain Significance.

Blueprint Genetics
Classification: Uncertain significance. Last evaluated: 2021-10-25. Review status: criteria provided, single submitter. Criteria: ACMG Guidelines, 2015. Collection method: clinical testing. Allele origin: germline.

NM_020631.6(PLEKHG5):c.1868G>C (p.Arg623Thr)

Gene: PLEKHG5 (pleckstrin homology and RhoGEF domain containing G5; minus strand). Cytogenetic location: 1p36.31.
Variant type: single nucleotide variant.
Coding change: c.1868G>C on transcript NM_020631.6 (MANE Select); coding-DNA position 1868, G replaced by C.
Protein change: p.Arg623Thr; replaces arginine 623 with threonine.
Molecular consequence: missense variant.
Genome position (GRCh38, 1-based): chr1:6,469,609, C>G on the plus strand (G>C on the coding strand, the complement: PLEKHG5 is on the minus strand). VCF-style: chr1-6469609-C-G. GRCh37 (hg19) VCF-style: chr1-6529669-C-G.
Other names: c.1979G>C, p.Arg660Thr (NM_001042663.3, NM_001265592.2); c.1868G>C, p.Arg623Thr (NM_001042664.2, NM_001042665.2, NM_001265594.3 and 1 more transcripts); c.2075G>C, p.Arg692Thr (NM_001265593.2); short protein forms R623T, R660T, R692T.
Identifiers: ClinVar variation 1026660 (VCV001026660.8), dbSNP rs759538158, ClinGen allele CA561330.